The following is an entry in ClinVar:

ClinVar aggregate classification (germline): Uncertain significance (1 of 4 stars; one submission).

Conditions:
Idiopathic generalized epilepsy. Also called: Generalised epilepsy; EIG. Identifiers: MedGen C0270850, MONDO:0005579, OMIM 600669.

gnomAD v4.1: 11 of 1,550,560 alleles (0.00071%); highest among the groups gnomAD compares: South Asian, 0.0012%; no homozygotes.

Submission:

Labcorp Genetics (formerly Invitae), Labcorp
Classification: Uncertain significance for Idiopathic generalized epilepsy. Last evaluated: 2022-04-25. Review status: criteria provided, single submitter. Criteria: Invitae Variant Classification Sherloc (09022015). Collection method: clinical testing. Allele origin: germline.
Comment: In summary, the available evidence is currently insufficient to determine the role of this variant in disease. Therefore, it has been classified as a Variant of Uncertain Significance. Algorithms developed to predict the effect of missense changes on protein structure and function (SIFT, PolyPhen-2, Align-GVGD) all suggest that this variant is likely to be tolerated. This variant has not been reported in the literature in individuals affected with RBFOX3-related conditions. This variant is present in population databases (no rsID available, gnomAD 0.002%). This sequence change replaces valine, which is neutral and non-polar, with leucine, which is neutral and non-polar, at codon 254 of the RBFOX3 protein (p.Val254Leu).

NM_001350451.2(RBFOX3):c.901G>T (p.Val301Leu)

Gene: RBFOX3 (RNA binding fox-1 homolog 3; minus strand). Cytogenetic location: 17q25.3.
Variant type: single nucleotide variant.
Coding change: c.901G>T on transcript NM_001350451.2 (MANE Select); coding-DNA position 901, G replaced by T.
Protein change: p.Val301Leu; replaces valine 301 with leucine.
Molecular consequence: missense variant.
Genome position (GRCh38, 1-based): chr17:79,096,688, C>A on the plus strand (G>T on the coding strand, the complement: RBFOX3 is on the minus strand). VCF-style: chr17-79096688-C-A. GRCh37 (hg19) VCF-style: chr17-77092770-C-A.
Other names: c.760G>T, p.Val254Leu (NM_001082575.3, NM_001350453.2, NM_001385825.1 and 16 more transcripts); c.901G>T, p.Val301Leu (NM_001385804.1, NM_001385805.1, NM_001385807.1 and 14 more transcripts); c.898G>T, p.Val300Leu (NM_001385806.1, NM_001385822.1, NM_001385823.1); c.808G>T, p.Val270Leu (NM_001385824.1); c.781G>T, p.Val261Leu (NM_001385827.1); c.757G>T, p.Val253Leu (NM_001385843.1, NM_001385844.1, NM_001385845.1 and 1 more transcripts); c.613G>T, p.Val205Leu (NM_001385847.1); short protein forms V205L, V254L, V270L, V300L, V301L, V253L, V261L.
Identifiers: ClinVar variation 2140264 (VCV002140264.4), dbSNP rs1465690990, ClinGen allele CA401316029.